The following is an entry in ClinVar:

NM_001130987.2(DYSF):c.361C>T (p.Gln121Ter)

Gene: DYSF (dysferlin; plus strand). Cytogenetic location: 2p13.2.
Variant type: single nucleotide variant.
Coding change: c.361C>T on transcript NM_001130987.2 (MANE Select); coding-DNA position 361, C replaced by T.
Protein change: p.Gln121Ter; replaces glutamine 121 with a stop codon.
Molecular consequence: nonsense.
Genome position (GRCh38, 1-based): chr2:71,511,822, C>T. VCF-style: chr2-71511822-C-T. GRCh37 (hg19) VCF-style: chr2-71738952-C-T.
Other names: c.361C>T, p.Gln121Ter (NM_001130455.2, NM_001130982.2, NM_001130983.2 and 3 more transcripts); c.358C>T, p.Gln120Ter (NM_001130976.2, NM_001130977.2, NM_001130978.2 and 4 more transcripts); short protein forms Q120*, Q121*.
Identifiers: ClinVar variation 567525 (VCV000567525.2), dbSNP rs1423123313, ClinGen allele CA347205400.

ClinVar aggregate classification (germline): Pathogenic (1 of 4 stars; one submission).

Conditions:
Neuromuscular disease caused by qualitative or quantitative defects of dysferlin. Also called: Dysferlinopathy; Qualitative or quantitative defects of dysferlin. Identifiers: Orphanet 207073, MedGen C2931687, MONDO:0016145.

Allele frequency attached by ClinVar (database versions not stated): TOPMed below 0.00001.

Submission:

Labcorp Genetics (formerly Invitae), Labcorp
Classification: Pathogenic for Qualitative or quantitative defects of dysferlin. Last evaluated: 2019-07-16. Review status: criteria provided, single submitter. Criteria: Invitae Variant Classification Sherloc (09022015). Collection method: clinical testing. Allele origin: germline.
Comment: This sequence change creates a premature translational stop signal (p.Gln120*) in the DYSF gene. It is expected to result in an absent or disrupted protein product. This variant is not present in population databases (ExAC no frequency). This variant has been reported as homozygous in an individual affected with dysferlinopathy (PMID: 26620441). ClinVar contains an entry for this variant (Variation ID: 567525). Algorithms developed to predict the effect of sequence changes on RNA splicing suggest that this variant may create or strengthen a splice site, but this prediction has not been confirmed by published transcriptional studies. Loss-of-function variants in DYSF are known to be pathogenic (PMID: 17698709, 20301480). For these reasons, this variant has been classified as Pathogenic.

Literature cited by the submitters: PubMed 26620441.